The following is an entry in ClinVar:

NM_001283009.2(RTEL1):c.3434C>T (p.Pro1145Leu)

Genes: RTEL1 (regulator of telomere elongation helicase 1; plus strand), RTEL1-TNFRSF6B (RTEL1-TNFRSF6B readthrough (NMD candidate); plus strand). Cytogenetic location: 20q13.33.
Variant type: single nucleotide variant.
Coding change: c.3434C>T on transcript NM_001283009.2 (MANE Select); coding-DNA position 3434, C replaced by T.
Protein change: p.Pro1145Leu; replaces proline 1145 with leucine.
Molecular consequence: missense variant. On other transcripts: non-coding transcript variant (1).
Genome position (GRCh38, 1-based): chr20:63,695,156, C>T. VCF-style: chr20-63695156-C-T. GRCh37 (hg19) VCF-style: chr20-62326509-C-T.
Other names: c.2765C>T, p.Pro922Leu (NM_001283010.1); c.3434C>T, p.Pro1145Leu (NM_016434.4); c.3506C>T, p.Pro1169Leu (NM_032957.5); short protein forms P1169L, P1145L, P922L.
Identifiers: ClinVar variation 3791026 (VCV003791026.1).
Genomic context (GRCh38, chr20:63,695,156, plus strand): 5'-AGCAGCGCTTCTCACAGACGTGCACAGACCTGACCGGCCGGCCCTACCCGGGCATGGAGC[C>T]ACCGGGACCCCAGGAGGAGAGGCTTGCCGTGCCTCCTGTGCTTACCCACAGGGCTCCCCA-3'
Protein context (NP_001269938.1, residues 1135-1155): LTGRPYPGME[Pro1145Leu]PGPQEERLAV

ClinVar aggregate classification (germline): Uncertain significance (1 of 4 stars; one submission).

Conditions:
Inborn genetic diseases. Identifiers: MedGen C0950123, MeSH D030342.

Submission:

Ambry Genetics
Classification: Uncertain significance for Inborn genetic diseases. Last evaluated: 2025-01-05. Review status: criteria provided, single submitter. Criteria: Ambry Variant Classification Scheme 2023. Collection method: clinical testing. Allele origin: germline.
Comment: The p.P1145L variant (also known as c.3434C>T), located in coding exon 32 of the RTEL1 gene, results from a C to T substitution at nucleotide position 3434. The proline at codon 1145 is replaced by leucine, an amino acid with similar properties. This amino acid position is conserved. In addition, this alteration is predicted to be tolerated by in silico analysis. Based on the available evidence, the clinical significance of this variant remains unclear.